The following is an entry in ClinVar:

NM_015335.5(MED13L):c.3630T>A (p.Pro1210=)

Gene: MED13L (mediator complex subunit 13L; minus strand). Cytogenetic location: 12q24.21.
Variant type: single nucleotide variant.
Coding change: c.3630T>A on transcript NM_015335.5 (MANE Select); coding-DNA position 3630, T replaced by A.
Protein change: p.Pro1210=; no amino-acid change (proline 1210 retained).
Molecular consequence: synonymous variant.
Genome position (GRCh38, 1-based): chr12:115,991,324, A>T on the plus strand (T>A on the coding strand, the complement: MED13L is on the minus strand). VCF-style: chr12-115991324-A-T. GRCh37 (hg19) VCF-style: chr12-116429129-A-T.
Identifiers: ClinVar variation 2643367 (VCV002643367.24), dbSNP rs2499855971, ClinGen allele CA482137166.

ClinVar aggregate classification (germline): Likely benign (1 of 4 stars; one submission).

Submission:

CeGaT Center for Human Genetics Tuebingen
Classification: Likely benign. Last evaluated: 2026-04-01. Review status: criteria provided, single submitter. Criteria: CeGaT Center For Human Genetics Tuebingen Variant Classification Criteria Version 2. Collection method: clinical testing. Allele origin: germline. Affected: yes. Observed: 3 variant alleles.
Comment: MED13L: PM2:Supporting, BP4, BP7